The following is an entry in ClinVar:

ClinVar aggregate classification (germline): Likely benign (0 of 4 stars; one submission).

Conditions:
CENPF-related disorder. Also called: CENPF-related condition.

Allele frequency attached by ClinVar (database versions not stated): TOPMed 0.00006; gnomAD 0.00022; gnomAD exomes 0.00033; ExAC 0.00072; 1000 Genomes Project 30x 0.00125; 1000 Genomes Project 0.00140.
gnomAD v4.1: 521 of 1,610,758 alleles (0.032%); highest among the groups gnomAD compares: South Asian, 0.54%; 6 homozygotes.

Submission:

PreventionGenetics, part of Exact Sciences
Classification: Likely benign for CENPF-related condition. Last evaluated: 2024-02-22. Review status: no assertion criteria provided. Collection method: clinical testing. Allele origin: germline.
Comment: This variant is classified as likely benign based on ACMG/AMP sequence variant interpretation guidelines (Richards et al. 2015 PMID: 25741868, with internal and published modifications).

NM_016343.4(CENPF):c.3013G>C (p.Asp1005His)

Gene: CENPF (centromere protein F; plus strand). Cytogenetic location: 1q41.
Variant type: single nucleotide variant.
Coding change: c.3013G>C on transcript NM_016343.4 (MANE Select); coding-DNA position 3013, G replaced by C.
Protein change: p.Asp1005His; replaces aspartic acid 1005 with histidine.
Molecular consequence: missense variant.
Genome position (GRCh38, 1-based): chr1:214,641,351, G>C. VCF-style: chr1-214641351-G-C. GRCh37 (hg19) VCF-style: chr1-214814694-G-C.
Other names: short protein forms D1005H.
Identifiers: ClinVar variation 3051911 (VCV003051911.2), dbSNP rs531181398, ClinGen allele CA1390336.